The following is an entry in ClinVar:

ClinVar aggregate classification (germline): Benign/Likely benign. Review status: criteria provided, multiple submitters, no conflicts (2 of 4 stars). 7 submissions from 6 submitters: Benign (3); Likely benign (3). 1 of the submissions does not count toward it. Last evaluated 2025-11-19.

Conditions:
DNM2-related disorder. Also called: DNM2-related condition.
Autosomal dominant centronuclear myopathy. Also called: MYOTUBULAR MYOPATHY, AUTOSOMAL DOMINANT; Myopathy, centronuclear, 3. Identifiers: Orphanet 169189, MedGen C4551952, MeSH D020914, MONDO:0008048, OMIM 160150.
Charcot-Marie-Tooth disease dominant intermediate B (CMTDIB). Also called: CHARCOT-MARIE-TOOTH NEUROPATHY, DOMINANT INTERMEDIATE B; Charcot-Marie-Tooth disease dominant intermediate 1; CMT DI1; Charcot-Marie-Tooth disease dominant intermediate I. Identifiers: Orphanet 100044, Orphanet 228179, MedGen C1847902, MONDO:0011674, OMIM 606482.
Inborn genetic diseases. Identifiers: MedGen C0950123, MeSH D030342.

Allele frequency attached by ClinVar (database versions not stated): ESP Exome Variant Server 0.00015; gnomAD exomes 0.00015 and 0.00030; 1000 Genomes Project 0.00020; ExAC 0.00021; gnomAD 0.00027 and 0.00029; 1000 Genomes Project 30x 0.00031; TOPMed 0.00037.
gnomAD v4.1: 276 of 1,612,512 alleles (0.017%); highest among the groups gnomAD compares: Admixed American, 0.12%; no homozygotes.

Submissions (7):

Labcorp Genetics (formerly Invitae), Labcorp
Classification: Benign for Charcot-Marie-Tooth disease dominant intermediate B. Last evaluated: 2025-11-19. Review status: criteria provided, single submitter. Criteria: Invitae Variant Classification Sherloc (09022015). Collection method: clinical testing. Allele origin: germline.

CeGaT Center for Human Genetics Tuebingen
Classification: Likely benign. Last evaluated: 2023-08-01. Review status: criteria provided, single submitter. Criteria: CeGaT Center For Human Genetics Tuebingen Variant Classification Criteria Version 2. Collection method: clinical testing. Allele origin: germline. Affected: yes. Observed: 1 variant allele.
Comment: DNM2: BP4, BP7

GeneDx
Classification: Likely benign. Last evaluated: 2020-10-23. Review status: criteria provided, single submitter. Criteria: GeneDx Variant Classification Process June 2021. Collection method: clinical testing. Allele origin: germline. Affected: yes.

Ambry Genetics
Classification: Likely benign for Inborn genetic diseases. Last evaluated: 2019-07-11. Review status: criteria provided, single submitter. Criteria: Ambry Variant Classification Scheme 2023. Collection method: clinical testing. Allele origin: germline.

Illumina Laboratory Services, Illumina
Classification: Benign for Charcot-Marie-Tooth disease dominant intermediate B. Last evaluated: 2018-01-13. Review status: criteria provided, single submitter. Criteria: ICSL Variant Classification Criteria 13 December 2019. Collection method: clinical testing. Allele origin: germline.
Comment: This variant was observed in the ICSL laboratory as part of a predisposition screen in an ostensibly healthy population. It had not been previously curated by ICSL or reported in the Human Gene Mutation Database (HGMD: prior to June 1st, 2018), and was therefore a candidate for classification through an automated scoring system. Utilizing variant allele frequency, disease prevalence and penetrance estimates, and inheritance mode, an automated score was calculated to assess if this variant is too frequent to cause the disease. Based on the score and internal cut-off values, a variant classified as benign is not then subjected to further curation. The score for this variant resulted in a classification of benign for this disease.

Illumina Laboratory Services, Illumina
Classification: Benign for Autosomal dominant centronuclear myopathy. Last evaluated: 2018-01-13. Review status: criteria provided, single submitter. Criteria: ICSL Variant Classification Criteria 13 December 2019. Collection method: clinical testing. Allele origin: germline.
Comment: the same text as in the submission from Illumina Laboratory Services, Illumina above.

PreventionGenetics, part of Exact Sciences
Classification: Likely benign for DNM2-related condition. Last evaluated: 2019-02-22. Review status: no assertion criteria provided. Collection method: clinical testing. Allele origin: germline. Not counted in ClinVar's aggregate classification.
Comment: This variant is classified as likely benign based on ACMG/AMP sequence variant interpretation guidelines (Richards et al. 2015 PMID: 25741868, with internal and published modifications).

NM_001005361.3(DNM2):c.2511G>A (p.Arg837=)

Gene: DNM2 (dynamin 2; plus strand). Cytogenetic location: 19p13.2.
Variant type: single nucleotide variant.
Coding change: c.2511G>A on transcript NM_001005361.3 (MANE Select); coding-DNA position 2511, G replaced by A.
Protein change: p.Arg837=; no amino-acid change (arginine 837 retained).
Molecular consequence: synonymous variant.
Genome position (GRCh38, 1-based): chr19:10,830,346, G>A. VCF-style: chr19-10830346-G-A. GRCh37 (hg19) VCF-style: chr19-10941022-G-A.
Other names: c.2511G>A, p.Arg837= (NM_001005360.3, NM_001190716.2); c.2499G>A, p.Arg833= (NM_001005362.3, NM_004945.4).
Identifiers: ClinVar variation 327990 (VCV000327990.80), dbSNP rs200100669, ClinGen allele CA9201630.